The following is an entry in ClinVar:

ClinVar aggregate classification (germline): Uncertain significance (1 of 4 stars; one submission).

gnomAD v4.1: 1 of 1,579,364 alleles (0.000063%); highest among the groups gnomAD compares: Non-Finnish European, 0.000086%; no homozygotes.

Submission:

GeneDx
Classification: Uncertain significance. Last evaluated: 2024-08-13. Review status: criteria provided, single submitter. Criteria: GeneDx Variant Classification Process June 2021. Collection method: clinical testing. Allele origin: germline. Affected: yes.
Comment: Not observed at significant frequency in large population cohorts (gnomAD); In silico analysis supports that this missense variant has a deleterious effect on protein structure/function; Has not been previously published as pathogenic or benign to our knowledge

NM_177939.3(P4HTM):c.1123A>G (p.Thr375Ala)

Gene: P4HTM (prolyl 4-hydroxylase, transmembrane; plus strand). Cytogenetic location: 3p21.31.
Variant type: single nucleotide variant.
Coding change: c.1123A>G on transcript NM_177939.3 (MANE Select); coding-DNA position 1123, A replaced by G.
Protein change: p.Thr375Ala; replaces threonine 375 with alanine.
Molecular consequence: missense variant.
Genome position (GRCh38, 1-based): chr3:49,005,826, A>G. VCF-style: chr3-49005826-A-G. GRCh37 (hg19) VCF-style: chr3-49043259-A-G.
Other names: c.1306A>G, p.Thr436Ala (NM_177938.2); short protein forms T375A, T436A.
Identifiers: ClinVar variation 3731171 (VCV003731171.1).